The following is an entry in ClinVar:

NM_172107.4(KCNQ2):c.881C>T (p.Ala294Val)

Gene: KCNQ2 (potassium voltage-gated channel subfamily Q member 2; minus strand). Cytogenetic location: 20q13.33.
Variant type: single nucleotide variant.
Coding change: c.881C>T on transcript NM_172107.4 (MANE Select); coding-DNA position 881, C replaced by T.
Protein change: p.Ala294Val; replaces alanine 294 with valine.
Molecular consequence: missense variant.
Genome position (GRCh38, 1-based): chr20:63,439,644, G>A on the plus strand (C>T on the coding strand, the complement: KCNQ2 is on the minus strand). VCF-style: chr20-63439644-G-A. GRCh37 (hg19) VCF-style: chr20-62070997-G-A.
Other names: p.A294V:GCG>GTG; c.881C>T, p.Ala294Val (NM_004518.6, NM_172106.3, NM_172108.5 and 1 more transcripts); short protein forms A294V.
Identifiers: ClinVar variation 205886 (VCV000205886.66), dbSNP rs118192211, ClinGen allele CA278571.

ClinVar aggregate classification (germline): Pathogenic. Review status: criteria provided, multiple submitters, no conflicts (2 of 4 stars). 17 submissions from 15 submitters: Pathogenic (14). 3 of the submissions do not count toward it. Last evaluated 2025-12-22.

Conditions:
KCNQ2-Related Disorders. Also called: KCNQ2-related condition; KCNQ2-related disorder. Identifiers: MedGen CN169299.
Epileptic encephalopathy. Identifiers: MedGen C0543888, HP:0200134.
Early-infantile DEE. Also called: Ohtahara syndrome; Early infantile epileptic encephalopathy; Early infantile epileptic encephalopathy with suppression bursts. Identifiers: Orphanet 1934, MedGen C0393706, MONDO:0800491.
Developmental and epileptic encephalopathy, 7 (DEE7). Also called: KCNQ2-Related Neonatal Epileptic Encephalopathy; Early infantile epileptic encephalopathy 7; KCNQ2-Related Neonatal-Onset Developmental and Epileptic Encephalopathy (NEO-DEE). Identifiers: Orphanet 439218, MedGen C3150986, MONDO:0013387, OMIM 613720.
Seizures, benign familial neonatal, 1. Also called: Benign Neonatal Epilepsy 1; KCNQ2-Related Benign Familial Neonatal Epilepsy; KCNQ2-Related Self-Limited Familial Neonatal Epilepsy (SLFNE); Seizures, benign neonatal, 1. Identifiers: Orphanet 1949, MedGen C3149074, MONDO:0007365, OMIM 121200.
Seizure. Also called: Seizures. Identifiers: MedGen C0036572, HP:0001250.

Submissions 1 to 15 of 23:

GeneDx
Classification: Pathogenic. Last evaluated: 2025-12-22. Review status: criteria provided, single submitter. Criteria: GeneDx Variant Classification Process June 2021. Collection method: clinical testing. Allele origin: germline. Affected: yes.
Comment: Published functional studies demonstrate a damaging effect (PMID: 26007637, 33041849); Not observed at significant frequency in large population cohorts (gnomAD); In silico analysis supports that this missense variant has a deleterious effect on protein structure/function; This substitution is predicted to be within the transmembrane segment S6; This variant is associated with the following publications: (PMID: 27602407, 25880994, 25959266, 28133863, 30107960, 31552204, 29852413, 38074073, 39933386, 39213953, 38693247, 20437616, 25052858, 23621294, 27864847, 23692823, 29687029, 31164858, 33041849, 33753861, 34489640, 36198807, 36849527, 33057194, 36801247, 35982159, 36007526, 31440721, 34474328, 35701389, 26007637)

3billion
Classification: Pathogenic for Developmental and epileptic encephalopathy, 7. Last evaluated: 2025-01-10. Review status: criteria provided, single submitter. Criteria: ACMG Guidelines, 2015. Collection method: clinical testing. Allele origin: germline. Affected: yes.
Comment: The variant is not observed in the gnomAD v4.1.0 dataset. Predicted Consequence/Location: The variant is located in a mutational hot spot and/or well-established functional domain in which established pathogenic variants have been reported. In silico tool predictions suggest damaging effect of the variant on gene or gene product [REVEL: 0.83 (>=0.6, sensitivity 0.68 and specificity 0.92); 3Cnet: 1.00 (>=0.6, sensitivity 0.72 and precision 0.9)]. The same nucleotide change resulting in the same amino acid change has been previously reported as pathogenic/likely pathogenic with strong evidence (ClinVar ID: VCV000205886 /PMID: 23692823). The variant has been previously reported as de novo in a similarly affected individual (PMID: 27535030). Different missense changes at the same codon (p.Ala294Glu, p.Ala294Gly, p.Ala294Ser) have been reported as pathogenic/likely pathogenic with strong evidence (ClinVar ID: VCV001002473, VCV003254540 /PMID: 17129708). Therefore, this variant is classified as Pathogenic according to the recommendation of ACMG/AMP guideline.

Cytogénomique, Hospices Civils de Lyon
Classification: Pathogenic for Seizures. Last evaluated: 2024-06-16. Review status: criteria provided, single submitter. Criteria: ACMG Guidelines, 2015. Collection method: clinical testing. Allele origin: unknown. Affected: yes. Observed: 1 variant allele, 1 heterozygote.

Labcorp Genetics (formerly Invitae), Labcorp
Classification: Pathogenic for Early-infantile DEE. Last evaluated: 2024-04-03. Review status: criteria provided, single submitter. Criteria: Invitae Variant Classification Sherloc (09022015). Collection method: clinical testing. Allele origin: germline.
Comment: This sequence change replaces alanine, which is neutral and non-polar, with valine, which is neutral and non-polar, at codon 294 of the KCNQ2 protein (p.Ala294Val). This variant is not present in population databases (gnomAD no frequency). This missense change has been observed in individual(s) with early-onset epileptic encephalopathy (PMID: 23692823, 25052858, 25880994, 26007637, 27602407). In at least one individual the variant was observed to be de novo. ClinVar contains an entry for this variant (Variation ID: 205886). Advanced modeling of protein sequence and biophysical properties (such as structural, functional, and spatial information, amino acid conservation, physicochemical variation, residue mobility, and thermodynamic stability) performed at Invitae indicates that this missense variant is expected to disrupt KCNQ2 protein function with a positive predictive value of 95%. Experimental studies have shown that this missense change affects KCNQ2 function (PMID: 26007637, 27905566). For these reasons, this variant has been classified as Pathogenic.

Blueprint Genetics
Classification: Pathogenic for KCNQ2-related disorders. Last evaluated: 2024-01-03. Review status: criteria provided, single submitter. Criteria: ACMG Guidelines, 2015. Collection method: clinical testing. Allele origin: de novo. Affected: yes. Observed: 3 variant alleles.

Unidad de Genómica Garrahan, Hospital de Pediatría Garrahan
Classification: Pathogenic for Developmental and epileptic encephalopathy, 7. Last evaluated: 2022-04-18. Review status: criteria provided, single submitter. Criteria: ACMG Guidelines, 2015. Collection method: clinical testing. Allele origin: unknown. Inheritance: Sporadic. Affected: yes. Observed: 1 heterozygote.
Comment: PS3, PS4, PP3

Revvity Omics, Revvity
Classification: Pathogenic. Last evaluated: 2021-12-02. Review status: criteria provided, single submitter. Criteria: ACMG Guidelines, 2015. Collection method: clinical testing. Allele origin: germline.

Rady Children's Institute for Genomic Medicine, Rady Children's Hospital San Diego
Classification: Pathogenic for KCNQ2-Related Disorders. Last evaluated: 2019-12-20. Review status: criteria provided, single submitter. Criteria: ACMG Guidelines, 2015. Collection method: clinical testing. Allele origin: germline. Affected: yes.
Comment: This variant has been previously reported as a de novo change in multiple unrelated individuals with early-onset epileptic encephalopathy (PMID: 23692823, 23621294, 25052858). Functional studies indicate that this variant alters subcellular localization of the encoded potassium channel (PMID: 26007637). It is absent from the ExAC and gnomAD population databases and thus is presumed to be rare. The c.881C>T (p.Ala294Val) variant affects a highly conserved amino acid and is predicted by multiple in silico tools to have a deleterious effect on protein function. Analysis of the parental samples was negative for the variant, indicating this variant likely occurred as a de novo event. Based on the available evidence, the c.881C>T (p.Ala294Val) variant is classified as Pathogenic.

Cytogénomique, Hospices Civils de Lyon
Classification: Pathogenic for Developmental and epileptic encephalopathy, 7. Last evaluated: 2017-11-02. Review status: criteria provided, single submitter. Criteria: ACMG Guidelines, 2015. Collection method: clinical testing. Allele origin: de novo. Inheritance: Autosomal dominant inheritance. Affected: yes.

Center for Pediatric Genomic Medicine, Children's Mercy Hospital and Clinics
Classification: Pathogenic. Last evaluated: 2017-03-28. Review status: criteria provided, single submitter. Criteria: ACMG Guidelines, 2015. Collection method: clinical testing. Allele origin: de novo.

CeGaT Center for Human Genetics Tuebingen
Classification: Pathogenic. Last evaluated: 2017-03-01. Review status: criteria provided, single submitter. Criteria: CeGaT Center For Human Genetics Tuebingen Variant Classification Criteria Version 2. Collection method: clinical testing. Allele origin: germline. Affected: yes. Observed: 1 variant allele.

Neurogenetics Laboratory - MEYER, AOU Meyer
Classification: Pathogenic for Epileptic encephalopathy. Last evaluated: 2016-11-16. Review status: criteria provided, single submitter. Criteria: ACMG Guidelines, 2015. Collection method: clinical testing. Allele origin: de novo. Affected: yes. Observed: 1 heterozygote.

Neuberg Centre For Genomic Medicine, NCGM
Classification: Pathogenic for Developmental and epileptic encephalopathy, 7. Review status: criteria provided, single submitter. Criteria: ACMG Guidelines, 2015. Collection method: clinical testing. Allele origin: germline. Affected: yes.
Comment: The missense variant p.A294V in KCNQ2 (NM_172107.3) has been previously reported as a de novo variant in multiple affected individuals with early onset epileptic encephalopathy (Pisano et al, 2015; Allen et al, 2014; Epi4K Consortium et al, 2013). Functional studies indicate that variant alters protein expression and function (Abidi et al, 2015). The variant has been submitted to ClinVar as a Pathogenic variant. The p.A294V variant is novel (not in any individuals) in gnomAD Exomes and is novel (not in any individuals) in 1000 Genomes. The p.A294V missense variant is predicted to be damaging by both SIFT and PolyPhen2. The alanine residue at codon 294 of KCNQ2 is conserved in all mammalian species. The nucleotide c.881 in KCNQ2 is predicted conserved by GERP++ and PhyloP across 100 vertebrates. For these reasons, this variant has been classified as Pathogenic

NeuroMeGen, Hospital Clinico Santiago de Compostela
Classification: Pathogenic for Developmental and epileptic encephalopathy, 7. Review status: criteria provided, single submitter. Criteria: ACMG Guidelines, 2015. Collection method: clinical testing. Allele origin: de novo. Affected: yes.

Center of Excellence for Medical Genomics, Chulalongkorn University
Classification: Pathogenic for Developmental and epileptic encephalopathy, 7. Last evaluated: 2022-08-19. Review status: no assertion criteria provided. Collection method: research. Allele origin: de novo. Affected: yes. Not counted in ClinVar's aggregate classification.